The following is an entry in ClinVar:

ClinVar aggregate classification (germline): Conflicting classifications of pathogenicity. Review status: criteria provided, conflicting classifications (1 of 4 stars). 9 submissions from 9 submitters: Uncertain significance (2); Likely benign (5). 2 of the submissions do not count toward it. Last evaluated 2026-05-29.

Conditions:
Hereditary breast ovarian cancer syndrome. Also called: Breast and ovarian cancer; Hereditary breast and ovarian cancer; Hereditary breast and ovarian cancer syndrome; Hereditary breast and/or ovarian cancer syndrome; Hereditary breast and ovarian cancer syndrome (HBOC); BRCA1- and BRCA2-Associated Hereditary Breast and Ovarian Cancer. Identifiers: Orphanet 145, MedGen C0677776, MeSH D061325, MONDO:0003582. Disease mechanism: loss of function.
Microcephaly, normal intelligence and immunodeficiency (NBS). Also called: SEEMANOVA SYNDROME II; Immunodeficiency, microcephaly with normal intelligence; IMMUNODEFICIENCY, MICROCEPHALY, AND CHROMOSOMAL INSTABILITY; Nijmegen breakage syndrome; Microcephaly with normal intelligence immunodeficiency and lymphoreticular malignancies; Nonsyndromal microcephaly autosomal recessive with normal intelligence. Identifiers: Orphanet 647, MedGen C0398791, MONDO:0009623, OMIM 251260.

Allele frequency attached by ClinVar (database versions not stated): TOPMed 0.00006; 1000 Genomes Project 30x 0.00016; gnomAD 0.00019; 1000 Genomes Project 0.00020.
gnomAD v4.1: 32 of 1,612,718 alleles (0.002%); highest among the groups gnomAD compares: East Asian, 0.071%; no homozygotes.

Submissions (9):

Women's Health and Genetics/Laboratory Corporation of America, LabCorp
Classification: Uncertain significance. Last evaluated: 2026-05-29. Review status: criteria provided, single submitter. Criteria: LabCorp Variant Classification Summary - May 2015. Collection method: clinical testing. Allele origin: germline.
Comment: Variant summary: NBN c.37+6G>A alters a non-conserved nucleotide located close to a canonical splice site and therefore could affect mRNA splicing, leading to a significantly altered protein sequence. Consensus agreement among computation tools predict no significant impact on normal splicing. However, these predictions have yet to be confirmed by functional studies. The variant allele was found at a frequency of 0.00013 in 245678 control chromosomes, predominantly at a frequency of 0.0018 within the East Asian subpopulation in the gnomAD database. This frequency is not significantly higher than estimated for disease-causing variants in NBN, allowing no conclusion about variant significance. c.37+6G>A has been reported in the literature in at-least two individuals affected with ovarian cancer without evidence for strong causality, and the authors classified the variant as a VUS (example: Wu_2021). These report(s) do not provide unequivocal conclusions about association of the variant with Nijmegen Breakage Syndrome. To our knowledge, no experimental evidence demonstrating an impact on protein function has been reported. The following publication has been ascertained in the context of this evaluation (PMID: 34350294). ClinVar contains an entry for this variant (Variation ID: 411792). Based on the evidence outlined above, the variant was classified as uncertain significance.

Labcorp Genetics (formerly Invitae), Labcorp
Classification: Likely benign for Microcephaly, normal intelligence and immunodeficiency. Last evaluated: 2026-01-31. Review status: criteria provided, single submitter. Criteria: Invitae Variant Classification Sherloc (09022015). Collection method: clinical testing. Allele origin: germline.

Blueprint Genetics
Classification: Likely benign. Last evaluated: 2024-05-06. Review status: criteria provided, single submitter. Criteria: ACMG Guidelines, 2015. Collection method: clinical testing. Allele origin: germline.

Genome-Nilou Lab
Classification: Likely benign for Microcephaly, normal intelligence and immunodeficiency. Last evaluated: 2021-11-07. Review status: criteria provided, single submitter. Criteria: ACMG Guidelines, 2015. Collection method: clinical testing. Allele origin: germline. Affected: no.

Department of Pathology and Laboratory Medicine, Sinai Health System
Classification: Likely benign for Hereditary breast ovarian cancer syndrome. Last evaluated: 2020-05-11. Review status: criteria provided, single submitter. Criteria: ACMG Guidelines, 2015. Collection method: clinical testing. Allele origin: germline. Affected: yes.

GeneDx
Classification: Likely benign. Last evaluated: 2019-06-12. Review status: criteria provided, single submitter. Criteria: GeneDx Variant Classification Process June 2021. Collection method: clinical testing. Allele origin: germline. Affected: yes.

Genetic Services Laboratory, University of Chicago
Classification: Uncertain significance. Last evaluated: 2018-03-26. Review status: criteria provided, single submitter. Criteria: ACMG Guidelines, 2015. Collection method: clinical testing. Allele origin: germline. Affected: no.

Natera, Inc.
Classification: Uncertain significance for Nijmegen breakage syndrome. Last evaluated: 2020-01-24. Review status: no assertion criteria provided. Collection method: clinical testing. Allele origin: germline. Not counted in ClinVar's aggregate classification.

Counsyl
Classification: Uncertain significance for Microcephaly, normal intelligence and immunodeficiency. Last evaluated: 2018-05-29. Review status: no assertion criteria provided. Collection method: clinical testing. Allele origin: unknown. Not counted in ClinVar's aggregate classification.

Literature cited by the submitters: PubMed 34350294 (cited by Women's Health and Genetics/Laboratory Corporation of America, LabCorp).

NM_002485.5(NBN):c.37+6G>A

Gene: NBN (nibrin; minus strand). Cytogenetic location: 8q21.3.
Variant type: single nucleotide variant.
Coding change: c.37+6G>A on transcript NM_002485.5 (MANE Select); 6 bases into the intron after coding-DNA position 37, G replaced by A.
Molecular consequence: intron variant.
Genome position (GRCh38, 1-based): chr8:89,984,519, C>T on the plus strand (G>A on the coding strand, the complement: NBN is on the minus strand). VCF-style: chr8-89984519-C-T. GRCh37 (hg19) VCF-style: chr8-90996747-C-T.
Other names: c.-260+6G>A (NM_001024688.3).
Identifiers: ClinVar variation 411792 (VCV000411792.30), dbSNP rs540868733, ClinGen allele CA4803096.